The following is an entry in ClinVar:

NM_004341.5(CAD):c.1109-4A>G

Gene: CAD (carbamoyl-phosphate synthetase 2, aspartate transcarbamylase, and dihydroorotase; plus strand). Cytogenetic location: 2p23.3.
Variant type: single nucleotide variant.
Coding change: c.1109-4A>G on transcript NM_004341.5 (MANE Select); 4 bases into the intron before coding-DNA position 1109, A replaced by G.
Molecular consequence: intron variant.
Genome position (GRCh38, 1-based): chr2:27,224,341, A>G. VCF-style: chr2-27224341-A-G. GRCh37 (hg19) VCF-style: chr2-27447209-A-G.
Other names: c.1109-4A>G (NM_001306079.2).
Identifiers: ClinVar variation 712897 (VCV000712897.14), dbSNP rs199872853, ClinGen allele CA1572619.

ClinVar aggregate classification (germline): Benign/Likely benign. Review status: criteria provided, multiple submitters, no conflicts (2 of 4 stars). 4 submissions from 4 submitters: Benign (1); Likely benign (2). 1 of the submissions does not count toward it. Last evaluated 2026-02-03.

Conditions:
CAD-related disorder. Also called: CAD-related condition.

Allele frequency attached by ClinVar (database versions not stated): gnomAD exomes 0.00018 and 0.00038; ExAC 0.00047; ESP Exome Variant Server 0.00154; gnomAD 0.00170 and 0.00182; TOPMed 0.00193; 1000 Genomes Project 0.00200; 1000 Genomes Project 30x 0.00234.
gnomAD v4.1: 532 of 1,614,074 alleles (0.033%); highest among the groups gnomAD compares: African/African-American, 0.65%; no homozygotes.

Submissions (4):

Labcorp Genetics (formerly Invitae), Labcorp
Classification: Benign. Last evaluated: 2026-02-03. Review status: criteria provided, single submitter. Criteria: Invitae Variant Classification Sherloc (09022015). Collection method: clinical testing. Allele origin: germline.

Blueprint Genetics
Classification: Likely benign. Last evaluated: 2024-11-13. Review status: criteria provided, single submitter. Criteria: ACMG Guidelines, 2015. Collection method: clinical testing. Allele origin: germline.

Breakthrough Genomics
Classification: Likely benign. Review status: criteria provided, single submitter. Criteria: ACMG Guidelines, 2015. Collection method: not provided. Allele origin: germline. Inheritance: Autosomal recessive inheritance. Affected: yes.

PreventionGenetics, part of Exact Sciences
Classification: Likely benign for CAD-related condition. Last evaluated: 2019-04-05. Review status: no assertion criteria provided. Collection method: clinical testing. Allele origin: germline. Not counted in ClinVar's aggregate classification.
Comment: This variant is classified as likely benign based on ACMG/AMP sequence variant interpretation guidelines (Richards et al. 2015 PMID: 25741868, with internal and published modifications).